The following is an entry in ClinVar:

ClinVar aggregate classification (germline): Likely benign. Review status: criteria provided, multiple submitters, no conflicts (2 of 4 stars). 3 submissions from 3 submitters: Likely benign (3). Last evaluated 2025-12-02.

Conditions:
TTN-related disorder. Also called: TTN-related disorders; TTN-related condition; TTN-related disease.
Dilated cardiomyopathy 1G (CMD1G). Identifiers: Orphanet 154, MedGen C1858763, MONDO:0011400, OMIM 604145.
Autosomal recessive limb-girdle muscular dystrophy type 2J (LGMDR10). Also called: MUSCULAR DYSTROPHY, LIMB-GIRDLE, AUTOSOMAL RECESSIVE 10; Limb-girdle muscular dystrophy, type 2J. Identifiers: Orphanet 140922, MedGen C1837342, MONDO:0012127, OMIM 608807.

Allele frequency attached by ClinVar (database versions not stated): gnomAD exomes 0.00002 and 0.00003; ExAC 0.00004; 1000 Genomes Project 30x 0.00016; 1000 Genomes Project 0.00020.
gnomAD v4.1: 43 of 1,613,334 alleles (0.0027%); highest among the groups gnomAD compares: East Asian, 0.011%; no homozygotes.

Submissions (3):

Labcorp Genetics (formerly Invitae), Labcorp
Classification: Likely benign for Dilated cardiomyopathy 1G; Autosomal recessive limb-girdle muscular dystrophy type 2J. Last evaluated: 2025-12-02. Review status: criteria provided, single submitter. Criteria: Invitae Variant Classification Sherloc (09022015). Collection method: clinical testing. Allele origin: germline.

PreventionGenetics, part of Exact Sciences
Classification: Likely benign for TTN-related condition. Last evaluated: 2025-07-30. Review status: criteria provided, single submitter. Criteria: ACMG Guidelines, 2015. Collection method: clinical testing. Allele origin: germline.
Comment: This variant is classified as likely benign based on ACMG/AMP sequence variant interpretation guidelines (Richards et al. 2015 PMID: 25741868, with internal and published modifications).

CeGaT Center for Human Genetics Tuebingen
Classification: Likely benign. Last evaluated: 2023-12-01. Review status: criteria provided, single submitter. Criteria: CeGaT Center For Human Genetics Tuebingen Variant Classification Criteria Version 2. Collection method: clinical testing. Allele origin: germline. Affected: yes. Observed: 1 variant allele.
Comment: TTN: BP4, BP7

NM_001267550.2(TTN):c.15177C>T (p.Asp5059=)

Gene: TTN (titin; minus strand). Cytogenetic location: 2q31.2.
Variant type: single nucleotide variant.
Coding change: c.15177C>T on transcript NM_001267550.2 (MANE Select); coding-DNA position 15177, C replaced by T.
Protein change: p.Asp5059=; no amino-acid change (aspartic acid 5059 retained).
Molecular consequence: synonymous variant. On other transcripts: intron variant (3).
Genome position (GRCh38, 1-based): chr2:178,734,747, G>A on the plus strand (C>T on the coding strand, the complement: TTN is on the minus strand). VCF-style: chr2-178734747-G-A. GRCh37 (hg19) VCF-style: chr2-179599474-G-A.
Other names: c.14226C>T, p.Asp4742= (NM_001256850.1); c.11445C>T, p.Asp3815= (NM_133378.4); c.13282+3335C>T (NM_003319.4); c.13858+3335C>T (NM_133437.4); c.13657+3335C>T (NM_133432.3).
Identifiers: ClinVar variation 1155563 (VCV001155563.32), dbSNP rs74607159, ClinGen allele CA2002282.
Genomic context (GRCh38, chr2:178,734,747, plus strand): 5'-TGGAAACTCAGTAAACAAACCTTTGATAACTATTTCAGTACTGCAGCTATCACTGCCGAC[G>A]TCATTCACTGCTTCACATGAGTAACTCCCACTGTCTTCAACTTTTACATCCGTAATATCA-3'
Protein context (NP_001254479.2, residues 5049-5069): SGSYSCEAVN[Asp5059=]VGSDSCSTEI